The following is an entry in ClinVar:

ClinVar aggregate classification (germline): Uncertain significance. Review status: criteria provided, multiple submitters, no conflicts (2 of 4 stars). 2 submissions from 2 submitters: Uncertain significance (2). Last evaluated 2023-12-22.

Conditions:
Hereditary cancer-predisposing syndrome. Also called: Neoplastic Syndromes, Hereditary; Tumor predisposition; Hereditary neoplastic syndrome; Hereditary Cancer Syndrome. Identifiers: Orphanet 140162, MedGen C0027672, MeSH D009386, MONDO:0015356.

Submissions (2):

Ambry Genetics
Classification: Uncertain significance for Hereditary cancer-predisposing syndrome. Last evaluated: 2023-12-22. Review status: criteria provided, single submitter. Criteria: Ambry Variant Classification Scheme 2023. Collection method: clinical testing. Allele origin: germline.
Comment: The p.L374S variant (also known as c.1121T>C), located in coding exon 8 of the RAD50 gene, results from a T to C substitution at nucleotide position 1121. The leucine at codon 374 is replaced by serine, an amino acid with dissimilar properties. This amino acid position is highly conserved in available vertebrate species. In addition, the in silico prediction for this alteration is inconclusive. Since supporting evidence is limited at this time, the clinical significance of this alteration remains unclear.

Labcorp Genetics (formerly Invitae), Labcorp
Classification: Uncertain significance for Hereditary cancer-predisposing syndrome. Last evaluated: 2023-06-27. Review status: criteria provided, single submitter. Criteria: Invitae Variant Classification Sherloc (09022015). Collection method: clinical testing. Allele origin: germline.
Comment: In summary, the available evidence is currently insufficient to determine the role of this variant in disease. Therefore, it has been classified as a Variant of Uncertain Significance. Advanced modeling of protein sequence and biophysical properties (such as structural, functional, and spatial information, amino acid conservation, physicochemical variation, residue mobility, and thermodynamic stability) has been performed at Invitae for this missense variant, however the output from this modeling did not meet the statistical confidence thresholds required to predict the impact of this variant on RAD50 protein function. ClinVar contains an entry for this variant (Variation ID: 1388306). This variant has not been reported in the literature in individuals affected with RAD50-related conditions. This variant is not present in population databases (gnomAD no frequency). This sequence change replaces leucine, which is neutral and non-polar, with serine, which is neutral and polar, at codon 374 of the RAD50 protein (p.Leu374Ser).

NM_005732.4(RAD50):c.1121T>C (p.Leu374Ser)

Gene: RAD50 (RAD50 double strand break repair protein; plus strand). Cytogenetic location: 5q31.1.
Variant type: single nucleotide variant.
Coding change: c.1121T>C on transcript NM_005732.4 (MANE Select); coding-DNA position 1121, T replaced by C.
Protein change: p.Leu374Ser; replaces leucine 374 with serine.
Molecular consequence: missense variant.
Genome position (GRCh38, 1-based): chr5:132,588,756, T>C. VCF-style: chr5-132588756-T-C. GRCh37 (hg19) VCF-style: chr5-131924448-T-C.
Other names: short protein forms L374S.
Identifiers: ClinVar variation 1388306 (VCV001388306.8), dbSNP rs2149841093, ClinGen allele CA360942473.